The following is an entry in ClinVar:

NM_005419.4(STAT2):c.694C>A (p.Leu232Met)

Gene: STAT2 (signal transducer and activator of transcription 2; minus strand). Cytogenetic location: 12q13.3.
Variant type: single nucleotide variant.
Coding change: c.694C>A on transcript NM_005419.4 (MANE Select); coding-DNA position 694, C replaced by A.
Protein change: p.Leu232Met; replaces leucine 232 with methionine.
Molecular consequence: missense variant.
Genome position (GRCh38, 1-based): chr12:56,354,554, G>T on the plus strand (C>A on the coding strand, the complement: STAT2 is on the minus strand). VCF-style: chr12-56354554-G-T. GRCh37 (hg19) VCF-style: chr12-56748338-G-T.
Other names: c.694C>A, p.Leu232Met (LRG_1329t1); c.682C>A, p.Leu228Met (NM_198332.2); short protein forms L232M, L228M.
Identifiers: ClinVar variation 661419 (VCV000661419.6), dbSNP rs143159503, ClinGen allele CA6630782.
Genomic context (GRCh38, chr12:56,354,554, plus strand): 5'-CAATGGGAGCTCTGATGCAGGCTTTTTGCTGCTGGGCCTTCCACTCCTCCAACTTTGGCA[G>T]CAGTAGCTCGATTAGGGTAGTTAATCGGCCTAGCAGTGCTTTGGAGGCATCCAGCACCTC-3'
Protein context (NP_005410.1, residues 222-242): GRLTTLIELL[Leu232Met]PKLEEWKAQQ

ClinVar aggregate classification (germline): Uncertain significance (1 of 4 stars; one submission).

Conditions:
Primary immunodeficiency with post-measles-mumps-rubella vaccine viral infection. Also called: Immunodeficiency 44. Identifiers: Orphanet 431166, MedGen C4225260, MONDO:0014715, OMIM 616636.

Allele frequency attached by ClinVar (database versions not stated): TOPMed 0.00003; gnomAD 0.00004; ESP Exome Variant Server 0.00008.
gnomAD v4.1: 99 of 1,614,096 alleles (0.0061%); highest among the groups gnomAD compares: Middle Eastern, 0.033%; 1 homozygote.

Submission:

Labcorp Genetics (formerly Invitae), Labcorp
Classification: Uncertain significance for Primary immunodeficiency with post-measles-mumps-rubella vaccine viral infection. Last evaluated: 2022-08-17. Review status: criteria provided, single submitter. Criteria: Invitae Variant Classification Sherloc (09022015). Collection method: clinical testing. Allele origin: germline.
Comment: This sequence change replaces leucine, which is neutral and non-polar, with methionine, which is neutral and non-polar, at codon 232 of the STAT2 protein (p.Leu232Met). This variant is present in population databases (rs143159503, gnomAD 0.006%). This variant has not been reported in the literature in individuals affected with STAT2-related conditions. ClinVar contains an entry for this variant (Variation ID: 661419). Algorithms developed to predict the effect of missense changes on protein structure and function are either unavailable or do not agree on the potential impact of this missense change (SIFT: "Tolerated"; PolyPhen-2: "Probably Damaging"; Align-GVGD: "Class C0"). In summary, the available evidence is currently insufficient to determine the role of this variant in disease. Therefore, it has been classified as a Variant of Uncertain Significance.